The following is an entry in ClinVar:

ClinVar aggregate classification (germline): Uncertain significance (1 of 4 stars; one submission).

Conditions:
Epileptic encephalopathy. Identifiers: MedGen C0543888, HP:0200134.

Submission:

Labcorp Genetics (formerly Invitae), Labcorp
Classification: Uncertain significance for Epileptic encephalopathy. Last evaluated: 2023-08-30. Review status: criteria provided, single submitter. Criteria: Invitae Variant Classification Sherloc (09022015). Collection method: clinical testing. Allele origin: germline.
Comment: In summary, the available evidence is currently insufficient to determine the role of this variant in disease. Therefore, it has been classified as a Variant of Uncertain Significance. Algorithms developed to predict the effect of missense changes on protein structure and function output the following: SIFT: "Not Available"; PolyPhen-2: "Benign"; Align-GVGD: "Not Available". The leucine amino acid residue is found in multiple mammalian species, which suggests that this missense change does not adversely affect protein function. This variant has not been reported in the literature in individuals affected with FASN-related conditions. This variant is not present in population databases (gnomAD no frequency). This sequence change replaces valine, which is neutral and non-polar, with leucine, which is neutral and non-polar, at codon 1160 of the FASN protein (p.Val1160Leu).

NM_004104.5(FASN):c.3478G>T (p.Val1160Leu)

Gene: FASN (fatty acid synthase; minus strand). Cytogenetic location: 17q25.3.
Variant type: single nucleotide variant.
Coding change: c.3478G>T on transcript NM_004104.5 (MANE Select); coding-DNA position 3478, G replaced by T.
Protein change: p.Val1160Leu; replaces valine 1160 with leucine.
Molecular consequence: missense variant.
Genome position (GRCh38, 1-based): chr17:82,086,508, C>A on the plus strand (G>T on the coding strand, the complement: FASN is on the minus strand). VCF-style: chr17-82086508-C-A. GRCh37 (hg19) VCF-style: chr17-80044384-C-A.
Other names: short protein forms V1160L.
Identifiers: ClinVar variation 2756311 (VCV002756311.3), dbSNP rs1235963515, ClinGen allele CA401552493.